The following is an entry in ClinVar:

ClinVar aggregate classification (germline): Uncertain significance (1 of 4 stars; one submission).

Conditions:
Arrhythmogenic cardiomyopathy with wooly hair and keratoderma. Also called: Carvajal syndrome; PALMOPLANTAR KERATODERMA WITH LEFT VENTRICULAR CARDIOMYOPATHY AND WOOLLY HAIR; Dilated cardiomyopathy with woolly hair and keratoderma; Arrhythmogenic cardiomyopathy with woolly hair and keratoderma. Identifiers: Orphanet 65282, MedGen C1854063, MONDO:0011581, OMIM 605676.

Submission:

All of Us Research Program, National Institutes of Health
Classification: Uncertain significance for Arrhythmogenic cardiomyopathy with wooly hair and keratoderma. Last evaluated: 2024-02-22. Review status: criteria provided, single submitter. Criteria: ACMG Guidelines, 2015. Collection method: clinical testing. Allele origin: germline. Inheritance: Autosomal dominant inheritance. Observed: 1 variant allele, 1 heterozygote.
Comment: This missense variant replaces methionine with leucine at codon 149 of the DSP protein. Computational prediction suggests that this variant may not impact protein structure and function (internally defined REVEL score threshold <= 0.5, PMID: 27666373). To our knowledge, functional studies have not been reported for this variant. This variant has not been reported in individuals affected with DSP-related disorders in the literature. This variant has been identified in 1/250794 chromosomes in the general population by the Genome Aggregation Database (gnomAD). The available evidence is insufficient to determine the role of this variant in disease conclusively. Therefore, this variant is classified as a Variant of Uncertain Significance.

This study involves interpretation of variants in research participants for the purpose of population health screening. Participant phenotype was not available at the time of variant classification. Additional details can be found in publication PMID: 35346344, PMCID: PMC8962531

NM_004415.4(DSP):c.445A>T (p.Met149Leu)

Gene: DSP (desmoplakin; plus strand). Cytogenetic location: 6p24.3.
Variant type: single nucleotide variant.
Coding change: c.445A>T on transcript NM_004415.4 (MANE Select); coding-DNA position 445, A replaced by T.
Protein change: p.Met149Leu; replaces methionine 149 with leucine.
Molecular consequence: missense variant.
Genome position (GRCh38, 1-based): chr6:7,559,248, A>T. VCF-style: chr6-7559248-A-T. GRCh37 (hg19) VCF-style: chr6-7559481-A-T.
Other names: c.445A>T, p.Met149Leu (NM_001008844.3, NM_001319034.2, NM_001406591.1); short protein forms M149L.
Identifiers: ClinVar variation 3386615 (VCV003386615.1).